The following is an entry in ClinVar:

NM_024649.5(BBS1):c.965G>A (p.Trp322Ter)

Genes: BBS1 (Bardet-Biedl syndrome 1; plus strand), ZDHHC24 (zDHHC palmitoyltransferase 24; minus strand). Cytogenetic location: 11q13.2.
Variant type: single nucleotide variant.
Coding change: c.965G>A on transcript NM_024649.5 (MANE Select); coding-DNA position 965, G replaced by A.
Protein change: p.Trp322Ter; replaces tryptophan 322 with a stop codon.
Molecular consequence: nonsense. On other transcripts: intron variant (1).
Genome position (GRCh38, 1-based): chr11:66,523,737, G>A. VCF-style: chr11-66523737-G-A. GRCh37 (hg19) VCF-style: chr11-66291208-G-A.
Other names: c.*22-2271C>T (NM_001348571.2); short protein forms W322*.
Identifiers: ClinVar variation 983997 (VCV000983997.5), dbSNP rs1856354695, ClinGen allele CA381462034.
Genomic context (GRCh38, chr11:66,523,737, plus strand): 5'-CACTGTAAGCCCTGAGCCCTCCACAGACGCTGGCTGTTCCCTGCCAGGGGAAGAAGCTGT[G>A]GACAGTGCAGATGCCCGCAGCCATCCTGACCATGAACCTCCTGGAGCAGCATTCCCGGGG-3'

ClinVar aggregate classification (germline): Likely pathogenic (1 of 4 stars; one submission).

Conditions:
Bardet-Biedl syndrome 1 (BBS1). Identifiers: MedGen C2936862, MONDO:0008854, OMIM 209900. Disease mechanism: loss of function.

Submission:

Myriad Genetics, Inc.
Classification: Likely pathogenic for Bardet-Biedl syndrome 1. Last evaluated: 2019-12-22. Review status: criteria provided, single submitter. Criteria: Myriad Women's Health Autosomal Recessive and X-Linked Classification Criteria (2019). Collection method: clinical testing. Allele origin: unknown.
Comment: NM_024649.4(BBS1):c.965G>A(W322*) is expected to be pathogenic in the context of Bardet-Biedl syndrome, BBS1-related. This variant is predicted to lead to an abnormal or absent protein product due to the creation of a premature termination codon in BBS1, a gene where loss-of-function variants are known to be pathogenic. Please note: this variant was assessed in the context of healthy population screening.